The following is an entry in ClinVar:

ClinVar aggregate classification (germline): Uncertain significance (1 of 4 stars; one submission).

Submission:

GeneDx
Classification: Uncertain significance. Last evaluated: 2024-07-17. Review status: criteria provided, single submitter. Criteria: GeneDx Variant Classification Process June 2021. Collection method: clinical testing. Allele origin: germline. Affected: yes.
Comment: Not observed at significant frequency in large population cohorts (gnomAD); Has not been previously published as pathogenic or benign to our knowledge; In silico analysis does not support a benign or deleterious effect of this variant on protein structure/function

NM_000834.5(GRIN2B):c.92G>T (p.Ser31Ile)

Gene: GRIN2B (glutamate ionotropic receptor NMDA type subunit 2B; minus strand). Cytogenetic location: 12p13.1.
Variant type: single nucleotide variant.
Coding change: c.92G>T on transcript NM_000834.5 (MANE Select); coding-DNA position 92, G replaced by T.
Protein change: p.Ser31Ile; replaces serine 31 with isoleucine.
Molecular consequence: missense variant.
Genome position (GRCh38, 1-based): chr12:13,866,117, C>A on the plus strand (G>T on the coding strand, the complement: GRIN2B is on the minus strand). VCF-style: chr12-13866117-C-A. GRCh37 (hg19) VCF-style: chr12-14019051-C-A.
Other names: c.92G>T, p.Ser31Ile (NM_001413992.1, NM_001413993.1, NM_001413994.1 and 1 more transcripts); short protein forms S31I.
Identifiers: ClinVar variation 3573507 (VCV003573507.1).